The following is an entry in ClinVar:

NM_001267550.2(TTN):c.48106A>C (p.Lys16036Gln)

Genes: TTN (titin; minus strand), TTN-AS1 (TTN antisense RNA 1; plus strand). Cytogenetic location: 2q31.2.
Variant type: single nucleotide variant.
Coding change: c.48106A>C on transcript NM_001267550.2 (MANE Select); coding-DNA position 48106, A replaced by C.
Protein change: p.Lys16036Gln; replaces lysine 16036 with glutamine.
Molecular consequence: missense variant.
Genome position (GRCh38, 1-based): chr2:178,616,783, T>G on the plus strand (A>C on the coding strand, the complement: TTN is on the minus strand). VCF-style: chr2-178616783-T-G. GRCh37 (hg19) VCF-style: chr2-179481510-T-G.
Other names: c.43183A>C, p.Lys14395Gln (NM_001256850.1); c.20911A>C, p.Lys6971Gln (NM_003319.4); c.40402A>C, p.Lys13468Gln (NM_133378.4); c.21286A>C, p.Lys7096Gln (NM_133432.3); c.21487A>C, p.Lys7163Gln (NM_133437.4); c.48106A>C (NM_001267550.1); short protein forms K13468Q, K16036Q, K7096Q, K14395Q, K6971Q, K7163Q.
Identifiers: ClinVar variation 332850 (VCV000332850.9), dbSNP rs886055271, ClinGen allele CA10613108.
Genomic context (GRCh38, chr2:178,616,783, plus strand): 5'-CCTTACCAATTACATTGACATCAATTTCCCCAGAAATTGTTTTCACACGGTTTTCTAATT[T>G]CAGTGTATAAATGCCCTTGTCTGAACGTTCACTTGGAGAAATGACAAGTTCGGCATAGGC-3'
Protein context (NP_001254479.2, residues 16026-16046): ERSDKGIYTL[Lys16036Gln]LENRVKTISG

ClinVar aggregate classification (germline): Uncertain significance. Review status: criteria provided, multiple submitters, no conflicts (2 of 4 stars). 8 submissions from 4 submitters: Uncertain significance (8). Last evaluated 2024-04-24.

Conditions:
Tibial muscular dystrophy (TMD). Also called: Udd Distal Myopathy – Tibial Muscular Dystrophy; UDD MYOPATHY; Tibial muscular dystrophy, tardive. Identifiers: Orphanet 609, MedGen C1838244, MONDO:0010870, OMIM 600334.
Dilated cardiomyopathy 1G (CMD1G). Identifiers: Orphanet 154, MedGen C1858763, MONDO:0011400, OMIM 604145.
Autosomal recessive limb-girdle muscular dystrophy type 2J (LGMDR10). Also called: MUSCULAR DYSTROPHY, LIMB-GIRDLE, AUTOSOMAL RECESSIVE 10; Limb-girdle muscular dystrophy, type 2J. Identifiers: Orphanet 140922, MedGen C1837342, MONDO:0012127, OMIM 608807.
Early-onset myopathy with fatal cardiomyopathy (CMYO5). Also called: CONGENITAL MYOPATHY 5 WITH CARDIOMYOPATHY; Salih Myopathy. Identifiers: Orphanet 289377, MedGen C2673677, MONDO:0012714, OMIM 611705. Disease mechanism: loss of function.
Hypertrophic cardiomyopathy 9. Also called: Familial hypertrophic cardiomyopathy 9. Identifiers: MedGen C1861065, MONDO:0013412, OMIM 613765.
Myopathy, myofibrillar, 9, with early respiratory failure (MFM9). Also called: Myopathy, distal, with early respiratory failure, autosomal dominant; Hereditary myopathy with early respiratory failure; EDSTROM MYOPATHY; MYOPATHY, PROXIMAL, WITH EARLY RESPIRATORY MUSCLE INVOLVEMENT. Identifiers: Orphanet 178464, Orphanet 34521, MedGen C1863599, MONDO:0011362, OMIM 603689.

Allele frequency attached by ClinVar (database versions not stated): gnomAD exomes below 0.00001; TOPMed 0.00001.
gnomAD v4.1: 7 of 1,612,800 alleles (0.00043%); highest among the groups gnomAD compares: East Asian, 0.0022%; no homozygotes.

Submissions (8):

Fulgent Genetics
Classification: Uncertain significance for Tibial muscular dystrophy; Myopathy, myofibrillar, 9, with early respiratory failure; Dilated cardiomyopathy 1G; Autosomal recessive limb-girdle muscular dystrophy type 2J; Early-onset myopathy with fatal cardiomyopathy; Hypertrophic cardiomyopathy 9. Last evaluated: 2024-04-24. Review status: criteria provided, single submitter. Criteria: ACMG Guidelines, 2015. Collection method: clinical testing. Allele origin: germline.

GeneDx
Classification: Uncertain significance. Last evaluated: 2023-11-03. Review status: criteria provided, single submitter. Criteria: GeneDx Variant Classification Process June 2021. Collection method: clinical testing. Allele origin: germline. Affected: yes.
Comment: Not observed at significant frequency in large population cohorts (gnomAD); Missense variant in a gene in which most reported pathogenic variants are truncating/loss of function; Has not been previously published as pathogenic or benign to our knowledge

Illumina Laboratory Services, Illumina
Classification: Uncertain significance for Myopathy, myofibrillar, 9, with early respiratory failure. Last evaluated: 2018-01-13. Review status: criteria provided, single submitter. Criteria: ICSL Variant Classification Criteria 13 December 2019. Collection method: clinical testing. Allele origin: germline.

Illumina Laboratory Services, Illumina
Classification: Uncertain significance for Tibial muscular dystrophy. Last evaluated: 2018-01-13. Review status: criteria provided, single submitter. Criteria: ICSL Variant Classification Criteria 13 December 2019. Collection method: clinical testing. Allele origin: germline.

Illumina Laboratory Services, Illumina
Classification: Uncertain significance for Autosomal recessive limb-girdle muscular dystrophy type 2J. Last evaluated: 2018-01-13. Review status: criteria provided, single submitter. Criteria: ICSL Variant Classification Criteria 13 December 2019. Collection method: clinical testing. Allele origin: germline.

Illumina Laboratory Services, Illumina
Classification: Uncertain significance for Early-onset myopathy with fatal cardiomyopathy. Last evaluated: 2018-01-13. Review status: criteria provided, single submitter. Criteria: ICSL Variant Classification Criteria 13 December 2019. Collection method: clinical testing. Allele origin: germline.

Illumina Laboratory Services, Illumina
Classification: Uncertain significance for Dilated cardiomyopathy 1G. Last evaluated: 2018-01-13. Review status: criteria provided, single submitter. Criteria: ICSL Variant Classification Criteria 13 December 2019. Collection method: clinical testing. Allele origin: germline.

Labcorp Genetics (formerly Invitae), Labcorp
Classification: Uncertain significance for Dilated cardiomyopathy 1G; Autosomal recessive limb-girdle muscular dystrophy type 2J. Last evaluated: 2016-10-08. Review status: criteria provided, single submitter. Criteria: Invitae Variant Classification Sherloc (09022015). Collection method: clinical testing. Allele origin: germline.